The following is an entry in ClinVar:

ClinVar aggregate classification (germline): Benign/Likely benign. Review status: criteria provided, multiple submitters, no conflicts (2 of 4 stars). 3 submissions from 3 submitters: Benign (1); Likely benign (2). Last evaluated 2026-01-13.

Allele frequency attached by ClinVar (database versions not stated): TOPMed 0.00007; gnomAD 0.00016; 1000 Genomes Project 0.00359; 1000 Genomes Project 30x 0.00375.
gnomAD v4.1: 979 of 1,593,554 alleles (0.061%); highest among the groups gnomAD compares: South Asian, 0.97%; 6 homozygotes.

Submissions (3):

Labcorp Genetics (formerly Invitae), Labcorp
Classification: Benign. Last evaluated: 2026-01-13. Review status: criteria provided, single submitter. Criteria: Invitae Variant Classification Sherloc (09022015). Collection method: clinical testing. Allele origin: germline.

Blueprint Genetics
Classification: Likely benign. Last evaluated: 2024-10-24. Review status: criteria provided, single submitter. Criteria: ACMG Guidelines, 2015. Collection method: clinical testing. Allele origin: germline.

CeGaT Center for Human Genetics Tuebingen
Classification: Likely benign. Last evaluated: 2024-06-01. Review status: criteria provided, single submitter. Criteria: CeGaT Center For Human Genetics Tuebingen Variant Classification Criteria Version 2. Collection method: clinical testing. Allele origin: germline. Affected: yes. Observed: 1 variant allele.
Comment: KIAA1549: BP4, BS1

NM_001164665.2(KIAA1549):c.1652C>G (p.Ser551Cys)

Gene: KIAA1549 (KIAA1549; minus strand). Cytogenetic location: 7q34.
Variant type: single nucleotide variant.
Coding change: c.1652C>G on transcript NM_001164665.2 (MANE Select); coding-DNA position 1652, C replaced by G.
Protein change: p.Ser551Cys; replaces serine 551 with cysteine.
Molecular consequence: missense variant.
Genome position (GRCh38, 1-based): chr7:138,917,974, G>C on the plus strand (C>G on the coding strand, the complement: KIAA1549 is on the minus strand). VCF-style: chr7-138917974-G-C. GRCh37 (hg19) VCF-style: chr7-138602720-G-C.
Other names: c.1652C>G, p.Ser551Cys (NM_020910.3); short protein forms S551C.
Identifiers: ClinVar variation 736521 (VCV000736521.30), dbSNP rs369401473, ClinGen allele CA4506663.
Genomic context (GRCh38, chr7:138,917,974, plus strand): 5'-GAGAAAGATGAGTCAAGGAGAATGCTGGTGATGACCGAGAAAAATGCAGTGGTCACGCTG[G>C]ATGGCGTCACTTGGGTTTCAGCAACAGACAAGGAGCCAGCAGTAGGATCAAGTGACGCCG-3'
Protein context (NP_001158137.1, residues 541-561): LSVAETQVTP[Ser551Cys]SVTTAFFSVI